The following is an entry in ClinVar:

ClinVar aggregate classification (germline): Uncertain significance (1 of 4 stars; one submission).

Conditions:
Epilepsy, progressive myoclonic, 12. Identifiers: MedGen C5543069, MONDO:0030936, OMIM 619191.

Submission:

Breda Genetics srl
Classification: Uncertain significance for Epilepsy, progressive myoclonic, 12. Last evaluated: 2021-06-23. Review status: criteria provided, single submitter. Criteria: ACMG Guidelines, 2015. Collection method: clinical testing. Allele origin: germline. Inheritance: Autosomal recessive inheritance. Affected: yes. Observed: 1 variant allele, 1 heterozygote.
Comment: Based on allele frequency, in-silico prediction scores and a certain overlap with the clinical phenotype, we interpreted this variant at least as of uncertain significance. The lack of one or more of the following features has discouraged further investigations: lack of a possible second hit in autosomal recessive conditions, presence of healthy controls in databases for autosomal dominant conditions, presence of unmatching cardinal clinical features in the patient or in the known gene-disease association, and/or variant type outside the known gene mutational spectrum.

NM_032178.3(SLC7A6OS):c.709T>C (p.Tyr237His)

Gene: SLC7A6OS (solute carrier family 7 member 6 opposite strand; minus strand). Cytogenetic location: 16q22.1.
Variant type: single nucleotide variant.
Coding change: c.709T>C on transcript NM_032178.3 (MANE Select); coding-DNA position 709, T replaced by C.
Protein change: p.Tyr237His; replaces tyrosine 237 with histidine.
Molecular consequence: missense variant.
Genome position (GRCh38, 1-based): chr16:68,302,471, A>G on the plus strand (T>C on the coding strand, the complement: SLC7A6OS is on the minus strand). VCF-style: chr16-68302471-A-G. GRCh37 (hg19) VCF-style: chr16-68336374-A-G.
Other names: short protein forms Y237H.
Identifiers: ClinVar variation 1299431 (VCV001299431.1), dbSNP rs2151239071, ClinGen allele CA396439901.